The following is an entry in ClinVar:

NM_022489.4(INF2):c.804G>T (p.Met268Ile)

Gene: INF2 (inverted formin 2; plus strand). Cytogenetic location: 14q32.33.
Variant type: single nucleotide variant.
Coding change: c.804G>T on transcript NM_022489.4 (MANE Select); coding-DNA position 804, G replaced by T.
Protein change: p.Met268Ile; replaces methionine 268 with isoleucine.
Molecular consequence: missense variant.
Genome position (GRCh38, 1-based): chr14:104,706,137, G>T. VCF-style: chr14-104706137-G-T. GRCh37 (hg19) VCF-style: chr14-105172474-G-T.
Other names: c.804G>T, p.Met268Ile (NM_001031714.4, NM_001426862.1, NM_001426863.1 and 2 more transcripts); short protein forms M268I.
Identifiers: ClinVar variation 2949987 (VCV002949987.3), dbSNP rs2541911694, ClinGen allele CA391214092.

ClinVar aggregate classification (germline): Uncertain significance (1 of 4 stars; one submission).

Conditions:
Charcot-Marie-Tooth disease dominant intermediate E. Also called: CHARCOT-MARIE-TOOTH NEUROPATHY WITH FOCAL SEGMENTAL GLOMERULONEPHRITIS. Identifiers: Orphanet 93114, MedGen C4302667, MONDO:0013758, OMIM 614455.
Focal segmental glomerulosclerosis 5 (FSGS5). Identifiers: Orphanet 656, MedGen C2750475, MONDO:0013191, OMIM 613237.

Submission:

Labcorp Genetics (formerly Invitae), Labcorp
Classification: Uncertain significance for Charcot-Marie-Tooth disease dominant intermediate E; Focal segmental glomerulosclerosis 5. Last evaluated: 2023-07-17. Review status: criteria provided, single submitter. Criteria: Invitae Variant Classification Sherloc (09022015). Collection method: clinical testing. Allele origin: germline.
Comment: In summary, the available evidence is currently insufficient to determine the role of this variant in disease. Therefore, it has been classified as a Variant of Uncertain Significance. Advanced modeling of protein sequence and biophysical properties (such as structural, functional, and spatial information, amino acid conservation, physicochemical variation, residue mobility, and thermodynamic stability) performed at Invitae indicates that this missense variant is not expected to disrupt INF2 protein function. This variant has not been reported in the literature in individuals affected with INF2-related conditions. This variant is not present in population databases (gnomAD no frequency). This sequence change replaces methionine, which is neutral and non-polar, with isoleucine, which is neutral and non-polar, at codon 268 of the INF2 protein (p.Met268Ile).